The following is an entry in ClinVar:

NM_001291303.3(FAT4):c.6771del (p.Val2258fs)

Gene: FAT4 (FAT atypical cadherin 4; plus strand). Cytogenetic location: 4q28.1.
Variant type: Deletion.
Coding change: c.6771del on transcript NM_001291303.3 (MANE Select); coding-DNA position 6771, one base deleted (T; older notation c.6771delT).
Protein change: p.Val2258fs; shifts the reading frame from valine 2258.
Molecular consequence: frameshift variant.
Genome position (GRCh38, 1-based): chr4:125,415,734, T deleted. VCF-style (leftmost placement, unchanged base first): chr4-125415733-CT-C. GRCh37 (hg19) VCF-style: chr4-126336888-CT-C.
Other names: c.6771del, p.Val2258fs (NM_001291285.3, NM_024582.6); short protein forms V2258fs.
Identifiers: ClinVar variation 3684535 (VCV003684535.2).

ClinVar aggregate classification (germline): Pathogenic (1 of 4 stars; one submission).

Submission:

Labcorp Genetics (formerly Invitae), Labcorp
Classification: Pathogenic. Last evaluated: 2024-04-30. Review status: criteria provided, single submitter. Criteria: Invitae Variant Classification Sherloc (09022015). Collection method: clinical testing. Allele origin: germline.
Comment: This sequence change creates a premature translational stop signal (p.Val2258Tyrfs*9) in the FAT4 gene. It is expected to result in an absent or disrupted protein product. Loss-of-function variants in FAT4 are known to be pathogenic (PMID: 24056717, 24913602). This variant is not present in population databases (gnomAD no frequency). This variant has not been reported in the literature in individuals affected with FAT4-related conditions. Algorithms developed to predict the effect of sequence changes on RNA splicing suggest that this variant may disrupt the consensus splice site. For these reasons, this variant has been classified as Pathogenic.

Literature cited by the submitters: PubMed 24056717; PubMed 24913602.